The following is an entry in ClinVar:

NM_005477.3(HCN4):c.2764G>A (p.Asp922Asn)

Gene: HCN4 (hyperpolarization activated cyclic nucleotide gated potassium channel 4; minus strand). Cytogenetic location: 15q24.1.
Variant type: single nucleotide variant.
Coding change: c.2764G>A on transcript NM_005477.3 (MANE Select); coding-DNA position 2764, G replaced by A.
Protein change: p.Asp922Asn; replaces aspartic acid 922 with asparagine.
Molecular consequence: missense variant.
Genome position (GRCh38, 1-based): chr15:73,323,329, C>T on the plus strand (G>A on the coding strand, the complement: HCN4 is on the minus strand). VCF-style: chr15-73323329-C-T. GRCh37 (hg19) VCF-style: chr15-73615670-C-T.
Other names: short protein forms D922N.
Identifiers: ClinVar variation 581221 (VCV000581221.21), dbSNP rs1020318942, ClinGen allele CA272664284.

ClinVar aggregate classification (germline): Uncertain significance. Review status: criteria provided, multiple submitters, no conflicts (2 of 4 stars). 2 submissions from 2 submitters: Uncertain significance (2). Last evaluated 2025-12-19.

Conditions:
Brugada syndrome 8 (BRGDA8). Identifiers: Orphanet 130, MedGen C2751083, MONDO:0013148, OMIM 613123.
Cardiovascular phenotype. Identifiers: MedGen CN230736.

Allele frequency attached by ClinVar (database versions not stated): TOPMed below 0.00001; gnomAD exomes 0.00001 and 0.00002.
gnomAD v4.1: 15 of 1,561,518 alleles (0.00096%); highest among the groups gnomAD compares: East Asian, 0.0047%; no homozygotes.

Submissions (2):

Labcorp Genetics (formerly Invitae), Labcorp
Classification: Uncertain significance for Brugada syndrome 8. Last evaluated: 2025-12-19. Review status: criteria provided, single submitter. Criteria: Invitae Variant Classification Sherloc (09022015). Collection method: clinical testing. Allele origin: germline.
Comment: This sequence change replaces aspartic acid, which is acidic and polar, with asparagine, which is neutral and polar, at codon 922 of the HCN4 protein (p.Asp922Asn). The frequency data for this variant in the population databases is considered unreliable, as metrics indicate poor data quality at this position in the gnomAD database. This variant has not been reported in the literature in individuals affected with HCN4-related conditions. ClinVar contains an entry for this variant (Variation ID: 581221). Invitae Evidence Modeling of protein sequence and biophysical properties (such as structural, functional, and spatial information, amino acid conservation, physicochemical variation, residue mobility, and thermodynamic stability) indicates that this missense variant is not expected to disrupt HCN4 protein function with a negative predictive value of 95%. In summary, the available evidence is currently insufficient to determine the role of this variant in disease. Therefore, it has been classified as a Variant of Uncertain Significance.

Ambry Genetics
Classification: Uncertain significance for Cardiovascular phenotype. Last evaluated: 2025-01-27. Review status: criteria provided, single submitter. Criteria: Ambry Variant Classification Scheme 2023. Collection method: clinical testing. Allele origin: germline.
Comment: The p.D922N variant (also known as c.2764G>A), located in coding exon 8 of the HCN4 gene, results from a G to A substitution at nucleotide position 2764. The aspartic acid at codon 922 is replaced by asparagine, an amino acid with highly similar properties. This variant has been reported in rare disease cohort that underwent exome sequencing (Salfati EL et al. Genome Med, 2019 Dec;11:83). This amino acid position is not well conserved in available vertebrate species. In addition, this alteration is predicted to be tolerated by in silico analysis. Based on the available evidence, the clinical significance of this variant remains unclear.

Literature cited by the submitters: PubMed 31847883 (cited by Ambry Genetics).